The following is an entry in ClinVar:

NM_005660.3(SLC35A2):c.1112C>A (p.Pro371Gln)

Gene: SLC35A2 (solute carrier family 35 member A2; minus strand). Cytogenetic location: Xp11.23.
Variant type: single nucleotide variant.
Coding change: c.1112C>A on transcript NM_005660.3 (MANE Select); coding-DNA position 1112, C replaced by A.
Protein change: p.Pro371Gln; replaces proline 371 with glutamine.
Molecular consequence: missense variant. On other transcripts: synonymous variant (3).
Genome position (GRCh38, 1-based): chrX:48,904,797, G>T on the plus strand (C>A on the coding strand, the complement: SLC35A2 is on the minus strand). VCF-style: chrX-48904797-G-T. GRCh37 (hg19) VCF-style: chrX-48762074-G-T.
Other names: c.522C>A, p.Thr174= (NM_001032289.3, NM_001282647.2); c.1112C>A, p.Pro371Gln (NM_001042498.3); c.450C>A, p.Thr150= (NM_001282648.2); c.929C>A, p.Pro310Gln (NM_001282649.2); c.1151C>A, p.Pro384Gln (NM_001282650.2); c.1196C>A, p.Pro399Gln (NM_001282651.2); short protein forms P310Q, P371Q, P384Q, P399Q.
Identifiers: ClinVar variation 2574543 (VCV002574543.1), dbSNP rs782673464, ClinGen allele CA412894082.
Genomic context (GRCh38, chrX:48,904,797, plus strand): 5'-AGCACTGACTTTGGCAGAAAGGGCTCCGTGATGAGGTCTCCACGGTGGGAAGACAGCTGC[G>T]GTGGTGGTGGCTGCCCGGGAGGCTGCTGGTGAACGCAGGGCCCGGAGGCGGAGGCAGAGG-3'
Protein context (NP_005651.1, residues 361-381): HQQPPGQPPP[Pro371Gln]QLSSHRGDLI

ClinVar aggregate classification (germline): Uncertain significance (1 of 4 stars; one submission).

Submission:

GeneDx
Classification: Uncertain significance. Last evaluated: 2023-01-30. Review status: criteria provided, single submitter. Criteria: GeneDx Variant Classification Process June 2021. Collection method: clinical testing. Allele origin: germline. Affected: yes.
Comment: Not observed at significant frequency in large population cohorts (gnomAD); In silico analysis supports that this missense variant does not alter protein structure/function; Has not been previously published as pathogenic or benign to our knowledge